The following is an entry in ClinVar:

ClinVar aggregate classification (germline): Uncertain significance (1 of 4 stars; one submission).

gnomAD v4.1: 2 of 1,614,050 alleles (0.00012%); highest among the groups gnomAD compares: African/African-American, 0.0027%; no homozygotes.

Submission:

Women's Health and Genetics/Laboratory Corporation of America, LabCorp
Classification: Uncertain significance. Last evaluated: 2024-06-03. Review status: criteria provided, single submitter. Criteria: LabCorp Variant Classification Summary - May 2015. Collection method: clinical testing. Allele origin: germline.
Comment: Variant summary: ERCC5 c.406C>G (p.Gln136Glu) results in a conservative amino acid change in the encoded protein sequence. Five of five in-silico tools predict a benign effect of the variant on protein function. The variant was absent in 251472 control chromosomes. The available data on variant occurrences in the general population are insufficient to allow any conclusion about variant significance. To our knowledge, no occurrence of c.406C>G in individuals affected with ERCC5-related conditions and no experimental evidence demonstrating its impact on protein function have been reported. No submitters have cited clinical-significance assessments for this variant to ClinVar. Based on the evidence outlined above, the variant was classified as uncertain significance.

NM_000123.4(ERCC5):c.406C>G (p.Gln136Glu)

Genes: BIVM-ERCC5 (BIVM-ERCC5 readthrough; plus strand), ERCC5 (ERCC excision repair 5, endonuclease; plus strand). Cytogenetic location: 13q33.1.
Variant type: single nucleotide variant.
Coding change: c.406C>G on transcript NM_000123.4 (MANE Select); coding-DNA position 406, C replaced by G.
Protein change: p.Gln136Glu; replaces glutamine 136 with glutamic acid.
Molecular consequence: missense variant.
Genome position (GRCh38, 1-based): chr13:102,854,313, C>G. VCF-style: chr13-102854313-C-G. GRCh37 (hg19) VCF-style: chr13-103506663-C-G.
Other names: c.1768C>G, p.Gln590Glu (NM_001204425.2); short protein forms Q136E, Q590E.
Identifiers: ClinVar variation 3339765 (VCV003339765.1).